The following is an entry in ClinVar:

ClinVar aggregate classification (germline): Uncertain significance (1 of 4 stars; one submission).

Conditions:
Long QT syndrome (LQTS). Identifiers: MedGen C0023976, MeSH D008133, MONDO:0002442. Disease mechanism: loss of function. Inheritance: Various modes of inheritance.

Submission:

Labcorp Genetics (formerly Invitae), Labcorp
Classification: Uncertain significance for Long QT syndrome. Last evaluated: 2024-12-30. Review status: criteria provided, single submitter. Criteria: Invitae Variant Classification Sherloc (09022015). Collection method: clinical testing. Allele origin: germline.
Comment: This sequence change replaces aspartic acid, which is acidic and polar, with glycine, which is neutral and non-polar, at codon 2908 of the AKAP9 protein (p.Asp2908Gly). This variant is not present in population databases (gnomAD no frequency). This variant has not been reported in the literature in individuals affected with AKAP9-related conditions. An algorithm developed to predict the effect of missense changes on protein structure and function (PolyPhen-2) suggests that this variant is likely to be disruptive. In summary, the available evidence is currently insufficient to determine the role of this variant in disease. Therefore, it has been classified as a Variant of Uncertain Significance.

NM_005751.5(AKAP9):c.8723A>G (p.Asp2908Gly)

Gene: AKAP9 (A-kinase anchoring protein 9; plus strand). Cytogenetic location: 7q21.2.
Variant type: single nucleotide variant.
Coding change: c.8723A>G on transcript NM_005751.5 (MANE Select); coding-DNA position 8723, A replaced by G.
Protein change: p.Asp2908Gly; replaces aspartic acid 2908 with glycine.
Molecular consequence: missense variant.
Genome position (GRCh38, 1-based): chr7:92,084,831, A>G. VCF-style: chr7-92084831-A-G. GRCh37 (hg19) VCF-style: chr7-91714145-A-G.
Other names: c.3368A>G, p.Asp1123Gly (NM_001379277.1); c.8699A>G, p.Asp2900Gly (NM_147185.3); short protein forms D2900G, D1123G, D2908G.
Identifiers: ClinVar variation 3722771 (VCV003722771.2).